The following is an entry in ClinVar:

NM_006790.3(MYOT):c.609T>A (p.Asp203Glu)

Genes: PKD2L2-DT (PKD2L2 divergent transcript; minus strand), MYOT (myotilin; plus strand). Cytogenetic location: 5q31.2.
Variant type: single nucleotide variant.
Coding change: c.609T>A on transcript NM_006790.3 (MANE Select); coding-DNA position 609, T replaced by A.
Protein change: p.Asp203Glu; replaces aspartic acid 203 with glutamic acid.
Molecular consequence: missense variant.
Genome position (GRCh38, 1-based): chr5:137,877,597, T>A. VCF-style: chr5-137877597-T-A. GRCh37 (hg19) VCF-style: chr5-137213286-T-A.
Other names: c.609T>A (NM_006790.2); c.57T>A, p.Asp19Glu (NM_001135940.2); c.264T>A, p.Asp88Glu (NM_001300911.2); short protein forms D19E, D203E, D88E.
Identifiers: ClinVar variation 1023197 (VCV001023197.11), dbSNP rs1561660796, ClinGen allele CA361054721.

ClinVar aggregate classification (germline): Uncertain significance. Review status: criteria provided, multiple submitters, no conflicts (2 of 4 stars). 2 submissions from 2 submitters: Uncertain significance (2). Last evaluated 2022-07-12.

Conditions:
Myofibrillar myopathy 3 (MFM3). Also called: Muscular dystrophy, proximal, type 1A; Autosomal dominant spheroid body myopathy. Identifiers: Orphanet 266, Orphanet 268129, MedGen C3714934, MONDO:0012215, OMIM 609200.

gnomAD v4.1: 6 of 1,613,614 alleles (0.00037%); highest among the groups gnomAD compares: Non-Finnish European, 0.00051%; no homozygotes.

Submissions (2):

Labcorp Genetics (formerly Invitae), Labcorp
Classification: Uncertain significance for Myofibrillar myopathy 3. Last evaluated: 2022-07-12. Review status: criteria provided, single submitter. Criteria: Invitae Variant Classification Sherloc (09022015). Collection method: clinical testing. Allele origin: germline.
Comment: Algorithms developed to predict the effect of missense changes on protein structure and function (SIFT, PolyPhen-2, Align-GVGD) all suggest that this variant is likely to be tolerated. ClinVar contains an entry for this variant (Variation ID: 1023197). This variant has not been reported in the literature in individuals affected with MYOT-related conditions. This variant is not present in population databases (gnomAD no frequency). This sequence change replaces aspartic acid, which is acidic and polar, with glutamic acid, which is acidic and polar, at codon 203 of the MYOT protein (p.Asp203Glu). In summary, the available evidence is currently insufficient to determine the role of this variant in disease. Therefore, it has been classified as a Variant of Uncertain Significance.

Revvity Omics, Revvity
Classification: Uncertain significance for Myofibrillar myopathy 3. Last evaluated: 2019-12-02. Review status: criteria provided, single submitter. Criteria: ACMG Guidelines, 2015. Collection method: clinical testing. Allele origin: germline.